The following is an entry in ClinVar:

NM_005398.7(PPP1R3C):c.458A>G (p.Gln153Arg)

Gene: PPP1R3C (protein phosphatase 1 regulatory subunit 3C; minus strand). Cytogenetic location: 10q23.32.
Variant type: single nucleotide variant.
Coding change: c.458A>G on transcript NM_005398.7 (MANE Select); coding-DNA position 458, A replaced by G.
Protein change: p.Gln153Arg; replaces glutamine 153 with arginine.
Molecular consequence: missense variant.
Genome position (GRCh38, 1-based): chr10:91,630,423, T>C on the plus strand (A>G on the coding strand, the complement: PPP1R3C is on the minus strand). VCF-style: chr10-91630423-T-C. GRCh37 (hg19) VCF-style: chr10-93390180-T-C.
Other names: short protein forms Q153R.
Identifiers: ClinVar variation 161634 (VCV000161634.2), dbSNP rs193920921, ClinGen allele CA174500.

ClinVar aggregate classification (germline): Uncertain significance (0 of 4 stars; one submission).

Conditions:
Prostate cancer. Also called: Malignant tumor of prostate. Identifiers: Orphanet 1331, MedGen C0376358, MONDO:0008315, HP:0012125.

Allele frequency attached by ClinVar (database versions not stated): gnomAD exomes below 0.00001.

Submission:

Science for Life laboratory,  Karolinska Institutet
Classification: Uncertain significance for Malignant tumor of prostate. Review status: no assertion criteria provided. Collection method: not provided. Allele origin: somatic.
Comment: TumorID:SWE-19
ClinVar note: Converted during submission from Unknown to Uncertain significance.